The following is an entry in ClinVar:

NM_000540.3(RYR1):c.12640C>A (p.Arg4214Ser)

Gene: RYR1 (ryanodine receptor 1; plus strand). Cytogenetic location: 19q13.2.
Variant type: single nucleotide variant.
Coding change: c.12640C>A on transcript NM_000540.3 (MANE Select); coding-DNA position 12640, C replaced by A.
Protein change: p.Arg4214Ser; replaces arginine 4214 with serine.
Molecular consequence: missense variant.
Genome position (GRCh38, 1-based): chr19:38,564,974, C>A. VCF-style: chr19-38564974-C-A. GRCh37 (hg19) VCF-style: chr19-39055614-C-A.
Other names: c.12625C>A, p.Arg4209Ser (NM_001042723.2); short protein forms R4209S, R4214S.
Identifiers: ClinVar variation 1443143 (VCV001443143.8), dbSNP rs1973322817, ClinGen allele CA405670814.

ClinVar aggregate classification (germline): Uncertain significance (1 of 4 stars; one submission).

Conditions:
RYR1-related disorder. Also called: RYR1-related condition; RYR1-related disorders. Identifiers: MedGen CN239331.

Allele frequency attached by ClinVar (database versions not stated): gnomAD exomes below 0.00001.
gnomAD v4.1: 1 of 1,587,720 alleles (0.000063%); highest among the groups gnomAD compares: Non-Finnish European, 0.000086%; no homozygotes.

Submission:

Labcorp Genetics (formerly Invitae), Labcorp
Classification: Uncertain significance for RYR1-related disorder. Last evaluated: 2022-02-24. Review status: criteria provided, single submitter. Criteria: Invitae Variant Classification Sherloc (09022015). Collection method: clinical testing. Allele origin: germline.
Comment: This sequence change replaces arginine, which is basic and polar, with serine, which is neutral and polar, at codon 4214 of the RYR1 protein (p.Arg4214Ser). This variant is not present in population databases (gnomAD no frequency). This variant has not been reported in the literature in individuals affected with RYR1-related conditions. Advanced modeling of protein sequence and biophysical properties (such as structural, functional, and spatial information, amino acid conservation, physicochemical variation, residue mobility, and thermodynamic stability) performed at Invitae indicates that this missense variant is expected to disrupt RYR1 protein function. In summary, the available evidence is currently insufficient to determine the role of this variant in disease. Therefore, it has been classified as a Variant of Uncertain Significance.